The following is an entry in ClinVar:

ClinVar aggregate classification (germline): Uncertain significance. Review status: criteria provided, multiple submitters, no conflicts (2 of 4 stars). 3 submissions from 3 submitters: Uncertain significance (3). Last evaluated 2023-12-08.

Conditions:
Pitt-Hopkins-like syndrome 2 (PTHSL2). Identifiers: Orphanet 221150, Orphanet 600663, MedGen C3280479, MONDO:0013690, OMIM 614325.

Allele frequency attached by ClinVar (database versions not stated): gnomAD exomes below 0.00001; TOPMed 0.00001; gnomAD 0.00003 and 0.00004.
gnomAD v4.1: 5 of 1,597,592 alleles (0.00031%); highest among the groups gnomAD compares: African/African-American, 0.0067%; no homozygotes.

Submissions (3):

Labcorp Genetics (formerly Invitae), Labcorp
Classification: Uncertain significance for Pitt-Hopkins-like syndrome 2. Last evaluated: 2023-12-08. Review status: criteria provided, single submitter. Criteria: Invitae Variant Classification Sherloc (09022015). Collection method: clinical testing. Allele origin: germline.
Comment: This sequence change replaces aspartic acid, which is acidic and polar, with asparagine, which is neutral and polar, at codon 979 of the NRXN1 protein (p.Asp979Asn). This variant is present in population databases (rs796052781, gnomAD 0.02%). This variant has not been reported in the literature in individuals affected with NRXN1-related conditions. ClinVar contains an entry for this variant (Variation ID: 206253). An algorithm developed to predict the effect of missense changes on protein structure and function (PolyPhen-2) suggests that this variant is likely to be disruptive. In summary, the available evidence is currently insufficient to determine the role of this variant in disease. Therefore, it has been classified as a Variant of Uncertain Significance.

CeGaT Center for Human Genetics Tuebingen
Classification: Uncertain significance. Last evaluated: 2021-04-01. Review status: criteria provided, single submitter. Criteria: CeGaT Center For Human Genetics Tuebingen Variant Classification Criteria Version 2. Collection method: clinical testing. Allele origin: germline. Affected: yes. Observed: 1 variant allele.

GeneDx
Classification: Uncertain significance. Last evaluated: 2015-08-21. Review status: criteria provided, single submitter. Criteria: GeneDx Variant Classification (06012015). Collection method: clinical testing. Allele origin: germline. Affected: yes.
Comment: The D979N variant has not been published as a mutation, nor has it been reported as a benign polymorphism to our knowledge. It was not observed in approximately 6,000 individuals of European and African American ancestry in the NHLBI Exome Sequencing Project, indicating it is not a common benign variant in these populations. The D979N variant is a semi-conservative amino acid substitution, which may impact secondary protein structure as these residues differ in some properties. This substitution occurs at a position that is highly conserved across species, and in silico analysis predicts this variant is probably damaging to the protein structure/function. However, missense mutations in nearby residues have not been reported. Therefore, based on the currently available information, it is unclear whether this variant is a pathogenic mutation or a rare benign variant. The variant is found in EPILEPSY panel(s).

NM_001330078.2(NRXN1):c.2815G>A (p.Asp939Asn)

Gene: NRXN1 (neurexin 1; minus strand). Cytogenetic location: 2p16.3.
Variant type: single nucleotide variant.
Coding change: c.2815G>A on transcript NM_001330078.2 (MANE Select); coding-DNA position 2815, G replaced by A.
Protein change: p.Asp939Asn; replaces aspartic acid 939 with asparagine.
Molecular consequence: missense variant.
Genome position (GRCh38, 1-based): chr2:50,497,397, C>T on the plus strand (G>A on the coding strand, the complement: NRXN1 is on the minus strand). VCF-style: chr2-50497397-C-T. GRCh37 (hg19) VCF-style: chr2-50724535-C-T.
Other names: p.D979N:GAT>AAT; c.2935G>A, p.Asp979Asn (NM_001135659.3); c.2791G>A, p.Asp931Asn (NM_001330077.2, NM_001330082.2); c.2749G>A, p.Asp917Asn (NM_001330083.2, NM_001330084.2); c.2788G>A, p.Asp930Asn (NM_001330085.2); c.2815G>A, p.Asp939Asn (NM_001330086.2, NM_004801.6); c.2704G>A, p.Asp902Asn (NM_001330087.2, NM_001330096.2); c.2734G>A, p.Asp912Asn (NM_001330088.2); and 3 more; short protein forms D979N, D917N, D922N, D939N, D912N, D930N, D902N, D938N.
Identifiers: ClinVar variation 206253 (VCV000206253.42), dbSNP rs796052781, ClinGen allele CA316153.